The following is an entry in ClinVar:

NM_032043.3(BRIP1):c.1920C>A (p.Ile640=)

Gene: BRIP1 (BRCA1 interacting DNA helicase 1; minus strand). Cytogenetic location: 17q23.2.
Variant type: single nucleotide variant.
Coding change: c.1920C>A on transcript NM_032043.3 (MANE Select); coding-DNA position 1920, C replaced by A.
Protein change: p.Ile640=; no amino-acid change (isoleucine 640 retained).
Molecular consequence: synonymous variant.
Genome position (GRCh38, 1-based): chr17:61,780,276, G>T on the plus strand (C>A on the coding strand, the complement: BRIP1 is on the minus strand). VCF-style: chr17-61780276-G-T. GRCh37 (hg19) VCF-style: chr17-59857637-G-T.
Identifiers: ClinVar variation 1081248 (VCV001081248.13), dbSNP rs2145074950, ClinGen allele CA501150290.
Genomic context (GRCh38, chr17:61,780,276, plus strand): 5'-AGTAGAAACACTGAAGGCCTTCCAAAAAAAAAAACAACAACTAACCTGTGAATTTTTAAT[G>T]ATATGATTAGCCTCCAGCTGGATAGTAAATGTAACACCAAGTTCTGACGAAAAGGATTTC-3'
Protein context (NP_114432.2, residues 630-650): TFTIQLEANH[Ile640=]IKNSQVWVGT

ClinVar aggregate classification (germline): Benign/Likely benign. Review status: criteria provided, multiple submitters, no conflicts (2 of 4 stars). 3 submissions from 3 submitters: Benign (1); Likely benign (2). Last evaluated 2024-08-30.

Conditions:
Hereditary cancer-predisposing syndrome. Also called: Neoplastic Syndromes, Hereditary; Hereditary neoplastic syndrome; Hereditary Cancer Syndrome; Tumor predisposition. Identifiers: Orphanet 140162, MedGen C0027672, MeSH D009386, MONDO:0015356.
Fanconi anemia complementation group J. Also called: BRIP1-Related Fanconi Anemia. Identifiers: Orphanet 84, MedGen C1836860, MONDO:0012187, OMIM 609054.
Familial cancer of breast. Also called: BREAST CANCER, FAMILIAL; Hereditary breast cancer; hereditary breast carcinoma. Identifiers: Orphanet 227535, MedGen C0346153, MONDO:0016419, OMIM 114480. Disease mechanism: loss of function.

Allele frequency attached by ClinVar (database versions not stated): gnomAD exomes below 0.00001.
gnomAD v4.1: 2 of 1,611,364 alleles (0.00012%); highest among the groups gnomAD compares: Non-Finnish European, 0.00017%; no homozygotes.

Submissions (3):

Myriad Genetics, Inc.
Classification: Benign for Familial cancer of breast. Last evaluated: 2024-08-30. Review status: criteria provided, single submitter. Criteria: Myriad Autosomal Dominant, Autosomal Recessive and X-Linked Classification Criteria (2023). Collection method: clinical testing. Allele origin: unknown.
Comment: This variant is considered benign. This variant is a silent/synonymous amino acid change and it is not expected to impact splicing.

Ambry Genetics
Classification: Likely benign for Hereditary cancer-predisposing syndrome. Last evaluated: 2023-11-16. Review status: criteria provided, single submitter. Criteria: Ambry Variant Classification Scheme 2023. Collection method: clinical testing. Allele origin: germline.

Labcorp Genetics (formerly Invitae), Labcorp
Classification: Likely benign for Familial cancer of breast; Fanconi anemia complementation group J. Last evaluated: 2020-03-04. Review status: criteria provided, single submitter. Criteria: Invitae Variant Classification Sherloc (09022015). Collection method: clinical testing. Allele origin: germline.